The following is an entry in ClinVar:

ClinVar aggregate classification (germline): Uncertain significance (1 of 4 stars; one submission).

Conditions:
Hyperkalemic periodic paralysis. Also called: Familial hyperkalemic periodic paralysis; Gamstorp disease. Identifiers: Orphanet 682, MedGen C0238357, MONDO:0008224, OMIM 170500, HP:0007215.

Allele frequency attached by ClinVar (database versions not stated): gnomAD exomes below 0.00001.

Submission:

Labcorp Genetics (formerly Invitae), Labcorp
Classification: Uncertain significance for Hyperkalemic periodic paralysis. Last evaluated: 2021-05-31. Review status: criteria provided, single submitter. Criteria: Invitae Variant Classification Sherloc (09022015). Collection method: clinical testing. Allele origin: germline.
Comment: Algorithms developed to predict the effect of missense changes on protein structure and function (SIFT, PolyPhen-2, Align-GVGD) all suggest that this variant is likely to be tolerated, but these predictions have not been confirmed by published functional studies and their clinical significance is uncertain. In summary, the available evidence is currently insufficient to determine the role of this variant in disease. Therefore, it has been classified as a Variant of Uncertain Significance. This sequence change replaces glutamine with arginine at codon 44 of the SCN4A protein (p.Gln44Arg). The glutamine residue is highly conserved and there is a small physicochemical difference between glutamine and arginine. This variant is not present in population databases (ExAC no frequency). This variant has not been reported in the literature in individuals with SCN4A-related conditions.

NM_000334.4(SCN4A):c.131A>G (p.Gln44Arg)

Gene: SCN4A (sodium voltage-gated channel alpha subunit 4; minus strand). Cytogenetic location: 17q23.3.
Variant type: single nucleotide variant.
Coding change: c.131A>G on transcript NM_000334.4 (MANE Select); coding-DNA position 131, A replaced by G.
Protein change: p.Gln44Arg; replaces glutamine 44 with arginine.
Molecular consequence: missense variant.
Genome position (GRCh38, 1-based): chr17:63,972,711, T>C on the plus strand (A>G on the coding strand, the complement: SCN4A is on the minus strand). VCF-style: chr17-63972711-T-C. GRCh37 (hg19) VCF-style: chr17-62050071-T-C.
Other names: short protein forms Q44R.
Identifiers: ClinVar variation 1485317 (VCV001485317.8), dbSNP rs2143027631, ClinGen allele CA400640411.